The following is an entry in ClinVar:

NM_001127644.2(GABRA1):c.74+19A>G

Gene: GABRA1 (gamma-aminobutyric acid type A receptor subunit alpha1; plus strand). Cytogenetic location: 5q34.
Variant type: single nucleotide variant.
Coding change: c.74+19A>G on transcript NM_001127644.2 (MANE Select); 19 bases into the intron after coding-DNA position 74, A replaced by G.
Molecular consequence: intron variant.
Genome position (GRCh38, 1-based): chr5:161,850,903, A>G. VCF-style: chr5-161850903-A-G. GRCh37 (hg19) VCF-style: chr5-161277909-A-G.
Other names: c.74+19A>G (NM_001127648.2, NM_001127645.2, NM_001127643.2 and 1 more transcripts).
Identifiers: ClinVar variation 385750 (VCV000385750.10), dbSNP rs370522819, ClinGen allele CA3544320.

ClinVar aggregate classification (germline): Benign/Likely benign. Review status: criteria provided, multiple submitters, no conflicts (2 of 4 stars). 4 submissions from 4 submitters: Benign (1); Likely benign (3). Last evaluated 2025-11-13.

Conditions:
Epilepsy, idiopathic generalized, susceptibility to, 13. Also called: EPILEPSY, JUVENILE MYOCLONIC, SUSCEPTIBILITY TO, 5. Identifiers: Orphanet 307, Orphanet 64280, MedGen C4013473, MONDO:0012627, OMIM 611136.
Idiopathic generalized epilepsy. Also called: Generalised epilepsy; EIG. Identifiers: MedGen C0270850, MONDO:0005579, OMIM 600669.
Epilepsy, childhood absence 4 (ECA4). Also called: EPILEPSY, CHILDHOOD ABSENCE, SUSCEPTIBILITY TO, 4. Identifiers: Orphanet 307, MedGen C1970160.

Allele frequency attached by ClinVar (database versions not stated): ESP Exome Variant Server 0.00008; TOPMed 0.00012; gnomAD exomes 0.00017 and 0.00024; ExAC 0.00018; gnomAD 0.00019 and 0.00020.
gnomAD v4.1: 285 of 1,600,174 alleles (0.018%); highest among the groups gnomAD compares: Admixed American, 0.018%; 1 homozygote.

Submissions (4):

Women's Health and Genetics/Laboratory Corporation of America, LabCorp
Classification: Likely benign. Last evaluated: 2025-11-13. Review status: criteria provided, single submitter. Criteria: LabCorp Variant Classification Summary - May 2015. Collection method: clinical testing. Allele origin: germline.
Comment: Variant summary: GABRA1 c.74+19A>G alters a conserved nucleotide located at a position not widely known to affect splicing. Consensus agreement among computation tools predict no significant impact on normal splicing. However, these predictions have yet to be confirmed by functional studies. The variant allele was found at a frequency of 0.00024 in 250918 control chromosomes. This frequency is not significantly higher than estimated for disease-causing variants in GABRA1, allowing no conclusion about variant significance. To our knowledge, no occurrence of c.74+19A>G in individuals affected with GABRA1-related conditions and no experimental evidence demonstrating its impact on protein function have been reported. ClinVar contains an entry for this variant (Variation ID: 385750). Based on the evidence outlined above, the variant was classified as likely benign.

Labcorp Genetics (formerly Invitae), Labcorp
Classification: Benign for Epilepsy, childhood absence 4; Epilepsy, idiopathic generalized, susceptibility to, 13; Idiopathic generalized epilepsy. Last evaluated: 2025-07-06. Review status: criteria provided, single submitter. Criteria: Invitae Variant Classification Sherloc (09022015). Collection method: clinical testing. Allele origin: germline.

Blueprint Genetics
Classification: Likely benign. Last evaluated: 2024-09-18. Review status: criteria provided, single submitter. Criteria: ACMG Guidelines, 2015. Collection method: clinical testing. Allele origin: germline.

GeneDx
Classification: Likely benign. Last evaluated: 2018-01-02. Review status: criteria provided, single submitter. Criteria: GeneDx Variant Classification (06012015). Collection method: clinical testing. Allele origin: germline. Affected: yes.
Comment: This variant is considered likely benign or benign based on one or more of the following criteria: it is a conservative change, it occurs at a poorly conserved position in the protein, it is predicted to be benign by multiple in silico algorithms, and/or has population frequency not consistent with disease.